The following is an entry in ClinVar:

NM_005591.4(MRE11):c.322T>C (p.Trp108Arg)

Gene: MRE11 (MRE11 double strand break repair nuclease; minus strand). Cytogenetic location: 11q21.
Variant type: single nucleotide variant.
Coding change: c.322T>C on transcript NM_005591.4 (MANE Select); coding-DNA position 322, T replaced by C.
Protein change: p.Trp108Arg; replaces tryptophan 108 with arginine.
Molecular consequence: missense variant. On other transcripts: 5 prime UTR variant (3), intron variant (3).
Genome position (GRCh38, 1-based): chr11:94,479,754, A>G on the plus strand (T>C on the coding strand, the complement: MRE11 is on the minus strand). VCF-style: chr11-94479754-A-G. GRCh37 (hg19) VCF-style: chr11-94212920-A-G.
Other names: c.322T>C, p.Trp108Arg (NM_001440478.1, NM_001440480.1, NM_001440481.1 and 18 more transcripts); c.247T>C, p.Trp83Arg (NM_001440479.1, NM_001440471.1, NM_001440472.1); c.-147T>C (NM_001440485.1, NM_001440486.1, NM_001440487.1); c.314+6170T>C (NM_001440483.1, NM_001440484.1, NM_001440482.1); short protein forms W83R, W108R.
Identifiers: ClinVar variation 5024675 (VCV005024675.1).
Genomic context (GRCh38, chr11:94,479,754, plus strand): 5'-TGCCATGAATACTAAACACTGGAATTGAAATGTTGAGGTTGCCATCTTGATAGTTCACCC[A>G]TGGAAACCTTAAAAAAAAAAAGTTACTTAAAATTTCCATACGGGACAAAAGCTGTTTTCC-3'
Protein context (NP_005582.1, residues 98-118): SVNFGFSKFP[Trp108Arg]VNYQDGNLNI

ClinVar aggregate classification (germline): Uncertain significance (1 of 4 stars; one submission).

Conditions:
Hereditary cancer-predisposing syndrome. Also called: Neoplastic Syndromes, Hereditary; Tumor predisposition; Hereditary neoplastic syndrome; Hereditary Cancer Syndrome. Identifiers: Orphanet 140162, MedGen C0027672, MeSH D009386, MONDO:0015356.

gnomAD v4.1: 1 of 1,611,320 alleles (0.000062%); highest among the groups gnomAD compares: Non-Finnish European, 0.000085%; no homozygotes.

Submission:

Ambry Genetics
Classification: Uncertain significance for Hereditary cancer-predisposing syndrome. Last evaluated: 2026-08-11. Review status: criteria provided, single submitter. Criteria: Ambry Variant Classification Scheme 2023. Collection method: clinical testing. Allele origin: germline.
Comment: The p.W108R variant (also known as c.322T>C), located in coding exon 4 of the MRE11A gene, results from a T to C substitution at nucleotide position 322. The tryptophan at codon 108 is replaced by arginine, an amino acid with dissimilar properties. This amino acid position is conserved. In addition, this alteration is predicted to be deleterious by in silico analysis. Based on the available evidence, the clinical significance of this variant remains unclear.